The following is an entry in ClinVar:

NM_000136.3(FANCC):c.941C>T (p.Thr314Ile)

Genes: FANCC (FA complementation group C; minus strand), AOPEP (aminopeptidase O (putative); plus strand). Cytogenetic location: 9q22.32.
Variant type: single nucleotide variant.
Coding change: c.941C>T on transcript NM_000136.3 (MANE Select); coding-DNA position 941, C replaced by T.
Protein change: p.Thr314Ile; replaces threonine 314 with isoleucine.
Molecular consequence: missense variant.
Genome position (GRCh38, 1-based): chr9:95,125,141, G>A on the plus strand (C>T on the coding strand, the complement: FANCC is on the minus strand). VCF-style: chr9-95125141-G-A. GRCh37 (hg19) VCF-style: chr9-97887423-G-A.
Other names: c.941C>T, p.Thr314Ile (NM_001243743.2, NM_001243744.2); short protein forms T314I.
Identifiers: ClinVar variation 2585980 (VCV002585980.2), dbSNP rs2541138427, ClinGen allele CA374108932.

ClinVar aggregate classification (germline): Uncertain significance (1 of 4 stars; one submission).

Conditions:
Hereditary cancer-predisposing syndrome. Also called: Hereditary neoplastic syndrome; Tumor predisposition; Hereditary Cancer Syndrome; Neoplastic Syndromes, Hereditary. Identifiers: Orphanet 140162, MedGen C0027672, MeSH D009386, MONDO:0015356.

Submission:

Ambry Genetics
Classification: Uncertain significance for Hereditary cancer-predisposing syndrome. Last evaluated: 2023-07-26. Review status: criteria provided, single submitter. Criteria: Ambry Variant Classification Scheme 2023. Collection method: clinical testing. Allele origin: germline.
Comment: The p.T314I variant (also known as c.941C>T), located in coding exon 9 of the FANCC gene, results from a C to T substitution at nucleotide position 941. The threonine at codon 314 is replaced by isoleucine, an amino acid with similar properties. This amino acid position is conserved. In addition, this alteration is predicted to be tolerated by in silico analysis. Since supporting evidence is limited at this time, the clinical significance of this alteration remains unclear.